The following is an entry in ClinVar:

NM_001395002.1(MAP4K4):c.1807T>C (p.Phe603Leu)

Gene: MAP4K4 (mitogen-activated protein kinase kinase kinase kinase 4; plus strand). Cytogenetic location: 2q11.2.
Variant type: single nucleotide variant.
Coding change: c.1807T>C on transcript NM_001395002.1 (MANE Select); coding-DNA position 1807, T replaced by C.
Protein change: p.Phe603Leu; replaces phenylalanine 603 with leucine.
Molecular consequence: missense variant. On other transcripts: intron variant (34).
Genome position (GRCh38, 1-based): chr2:101,860,927, T>C. VCF-style: chr2-101860927-T-C. GRCh37 (hg19) VCF-style: chr2-102477389-T-C.
Other names: c.1807T>C, p.Phe603Leu (NM_001242559.2, NM_001384481.1, NM_001384486.1 and 4 more transcripts); c.1714T>C, p.Phe572Leu (NM_001384492.1, NM_001384520.1, NM_001384543.1 and 2 more transcripts); c.1687T>C, p.Phe563Leu (NM_001384551.1, NM_001384557.1, NM_001384564.1); c.1780T>C, p.Phe594Leu (NM_001384579.1); c.1704+1063T>C (NM_001384493.1, NM_001384485.1, NM_001384484.1 and 7 more transcripts); c.1611+1063T>C (NM_001242560.2, NM_001384487.1, NM_001384491.1 and 5 more transcripts); c.1617+1063T>C (NM_001384548.1); c.1677+1063T>C (NM_001384555.1, NM_001384572.1, NM_001384552.1 and 5 more transcripts); and 2 more; short protein forms F563L, F572L, F594L, F603L.
Identifiers: ClinVar variation 3602536 (VCV003602536.1).

ClinVar aggregate classification (germline): Uncertain significance (1 of 4 stars; one submission).

Submission:

GeneDx
Classification: Uncertain significance. Last evaluated: 2024-07-31. Review status: criteria provided, single submitter. Criteria: GeneDx Variant Classification Process June 2021. Collection method: clinical testing. Allele origin: germline. Affected: yes.
Comment: Not observed at significant frequency in large population cohorts (gnomAD); In silico analysis indicates that this missense variant does not alter protein structure/function; Has not been previously published as pathogenic or benign to our knowledge